The following is an entry in ClinVar:

ClinVar aggregate classification (germline): Uncertain significance (1 of 4 stars; one submission).

Conditions:
Hereditary cancer-predisposing syndrome. Also called: Tumor predisposition; Neoplastic Syndromes, Hereditary; Hereditary Cancer Syndrome; Hereditary neoplastic syndrome. Identifiers: Orphanet 140162, MedGen C0027672, MeSH D009386, MONDO:0015356.

Submission:

Ambry Genetics
Classification: Uncertain significance for Hereditary cancer-predisposing syndrome. Last evaluated: 2024-07-24. Review status: criteria provided, single submitter. Criteria: Ambry Variant Classification Scheme 2023. Collection method: clinical testing. Allele origin: germline.
Comment: The c.291A>C variant (also known as p.L97L), located in coding exon 3 of the FANCC gene, results from an A to C substitution at nucleotide position 291. This nucleotide substitution does not change the leucine at codon 97. This nucleotide position is poorly conserved in available vertebrate species. In silico splice site analysis for this alteration is inconclusive. Based on the available evidence, the clinical significance of this variant remains unclear.

NM_000136.3(FANCC):c.291A>C (p.Leu97=)

Gene: FANCC (FA complementation group C; minus strand). Cytogenetic location: 9q22.32.
Variant type: single nucleotide variant.
Coding change: c.291A>C on transcript NM_000136.3 (MANE Select); coding-DNA position 291, A replaced by C.
Protein change: p.Leu97=; no amino-acid change (leucine 97 retained).
Molecular consequence: synonymous variant.
Genome position (GRCh38, 1-based): chr9:95,240,703, T>G on the plus strand (A>C on the coding strand, the complement: FANCC is on the minus strand). VCF-style: chr9-95240703-T-G. GRCh37 (hg19) VCF-style: chr9-98002985-T-G.
Other names: c.291A>C, p.Leu97= (NM_001243743.2, NM_001243744.2).
Identifiers: ClinVar variation 3512764 (VCV003512764.1).